The following is an entry in ClinVar:

ClinVar aggregate classification (germline): Uncertain significance (1 of 4 stars; one submission).

Conditions:
Hereditary cancer-predisposing syndrome. Also called: Hereditary Cancer Syndrome; Hereditary neoplastic syndrome; Neoplastic Syndromes, Hereditary; Tumor predisposition. Identifiers: Orphanet 140162, MedGen C0027672, MeSH D009386, MONDO:0015356.

Submission:

Ambry Genetics
Classification: Uncertain significance for Hereditary cancer-predisposing syndrome. Last evaluated: 2026-08-11. Review status: criteria provided, single submitter. Criteria: Ambry Variant Classification Scheme 2023. Collection method: clinical testing. Allele origin: germline.
Comment: The p.R98I variant (also known as c.293G>T), located in coding exon 3 of the TSC1 gene, results from a G to T substitution at nucleotide position 293. The arginine at codon 98 is replaced by isoleucine, an amino acid with similar properties. This amino acid position is conserved. In addition, this alteration is predicted to be deleterious by in silico analysis. Since supporting evidence is limited at this time, the clinical significance of this alteration remains unclear.

NM_000368.5(TSC1):c.293G>T (p.Arg98Ile)

Gene: TSC1 (TSC complex subunit 1; minus strand). Cytogenetic location: 9q34.13.
Variant type: single nucleotide variant.
Coding change: c.293G>T on transcript NM_000368.5 (MANE Select); coding-DNA position 293, G replaced by T.
Protein change: p.Arg98Ile; replaces arginine 98 with isoleucine.
Molecular consequence: missense variant. On other transcripts: 5 prime UTR variant (18), non-coding transcript variant (5), intron variant (5).
Genome position (GRCh38, 1-based): chr9:132,925,657, C>A on the plus strand (G>T on the coding strand, the complement: TSC1 is on the minus strand). VCF-style: chr9-132925657-C-A. GRCh37 (hg19) VCF-style: chr9-135801044-C-A.
Other names: c.293G>T, p.Arg98Ile (NM_001162426.2, NM_001406592.1, NM_001406593.1 and 16 more transcripts); c.-71G>T (NM_001362177.2, NM_001406617.1, NM_001406618.1 and 5 more transcripts); c.-163G>T (NM_001406614.1, NM_001406616.1, NM_001406624.1); c.-196G>T (NM_001406615.1, NM_001406623.1); c.-585G>T (NM_001406626.1, NM_001406627.1, NM_001406628.1); c.-727G>T (NM_001406629.1); c.-801G>T (NM_001406630.1); c.210+1544G>T (NM_001406613.1, NM_001406612.1, NM_001406610.1 and 2 more transcripts); short protein forms R98I.
Identifiers: ClinVar variation 2561530 (VCV002561530.3), dbSNP rs2132233805, ClinGen allele CA375374555.